The following is an entry in ClinVar:

ClinVar aggregate classification (germline): Likely benign. Review status: reviewed by expert panel (3 of 4 stars). 2 submissions from 2 submitters: Likely benign (1). 1 of the submissions does not count toward it. Last evaluated 2017-06-29.

Conditions:
Hereditary cancer-predisposing syndrome. Also called: Hereditary Cancer Syndrome; Neoplastic Syndromes, Hereditary; Tumor predisposition; Hereditary neoplastic syndrome. Identifiers: Orphanet 140162, MedGen C0027672, MeSH D009386, MONDO:0015356.
Breast-ovarian cancer, familial, susceptibility to, 2 (BROVCA2). Also called: BRCA2 Hereditary Breast and Ovarian Cancer. Identifiers: Orphanet 145, MedGen C2675520, MONDO:0012933, OMIM 612555. Disease mechanism: loss of function.

Submissions (2):

Evidence-based Network for the Interpretation of Germline Mutant Alleles (ENIGMA)
Classification: Likely benign for Breast-ovarian cancer, familial, susceptibility to, 2. Last evaluated: 2017-06-29. Review status: reviewed by expert panel. Criteria: ENIGMA BRCA1/2 Classification Criteria (2017-06-29). Collection method: curation. Allele origin: germline.
Comment: Synonymous substitution variant, with low bioinformatic likelihood to result in a splicing aberration (Splicing prior probability 0.02).

Ambry Genetics
Classification: Likely benign for Hereditary cancer-predisposing syndrome. Last evaluated: 2015-02-10. Review status: criteria provided, single submitter. Criteria: Ambry Variant Classification Scheme 2023. Collection method: clinical testing. Allele origin: germline. Not counted in ClinVar's aggregate classification.

NM_000059.4(BRCA2):c.3384T>C (p.Thr1128=)

Gene: BRCA2 (BRCA2 DNA repair associated; plus strand). Cytogenetic location: 13q13.1.
Variant type: single nucleotide variant.
Coding change: c.3384T>C on transcript NM_000059.4 (MANE Select); coding-DNA position 3384, T replaced by C.
Protein change: p.Thr1128=; no amino-acid change (threonine 1128 retained).
Molecular consequence: synonymous variant.
Genome position (GRCh38, 1-based): chr13:32,337,739, T>C. VCF-style: chr13-32337739-T-C. GRCh37 (hg19) VCF-style: chr13-32911876-T-C.
Identifiers: ClinVar variation 230494 (VCV000230494.7), dbSNP rs876658596, ClinGen allele CA10579574.